The following is an entry in ClinVar:

ClinVar aggregate classification (germline): Benign. Review status: reviewed by expert panel (3 of 4 stars). 9 submissions from 9 submitters: Benign (1). 8 of the submissions do not count toward it. Last evaluated 2022-06-06.

Conditions:
Cerebral creatine deficiency syndrome. Also called: Creatine deficiency syndromes. Identifiers: Orphanet 79172, MedGen C5244016, MONDO:0000456.
Deficiency of guanidinoacetate methyltransferase (CCDS2). Also called: Guanidinoacetate Methyltransferase (GAMT) Deficiency; GAMT DEFICIENCY; CEREBRAL CREATINE DEFICIENCY SYNDROME 2. Identifiers: Orphanet 382, MedGen C0574080, MONDO:0012999, OMIM 612736.

Allele frequency attached by ClinVar (database versions not stated): gnomAD exomes 0.00037 and 0.00066; ExAC 0.00071; TOPMed 0.00128; gnomAD 0.00144 and 0.00145; ESP Exome Variant Server 0.00146; 1000 Genomes Project 0.00260; 1000 Genomes Project 30x 0.00265.
gnomAD v4.1: 780 of 1,613,412 alleles (0.048%); highest among the groups gnomAD compares: African/African-American, 0.47%; 9 homozygotes.

Submissions (9):

ClinGen Cerebral Creatine Deficiency Syndromes Variant Curation Expert Panel, ClinGen
Classification: Benign for Deficiency of guanidinoacetate methyltransferase. Last evaluated: 2022-06-06. Review status: reviewed by expert panel. Criteria: ClinGen_CCDS_ACMG_Specifications_GAMT_v1.1. Collection method: curation. Allele origin: germline. Inheritance: Autosomal recessive inheritance.
Comment: The NM_000156.6:c.392-7C>T variant in GAMT is a nucleotide substitution in intron 3. The highest population minor allele frequency in gnomAD v2.1.1 is 0.00430 (107/24892 alleles) in the African population, which is higher than the ClinGen CCDS VCEP’s threshold for BA1 (>0.003), and therefore meets this criterion (BA1). There are 4 homozygotes in gnomAD v2.1.1 (all in the S Asian population) which, given the early onset and severity of phenotype for GAMT deficiency, supporting that the variant is not associated with GAMT deficiency. Computational evidence from SpliceAI and varSEAK suggests no impact on the gene/gene product (BP4). There is a ClinVar entry for this variant (Variation ID: 137436,). In summary, this variant meets the criteria to be classified as Benign for GAMT deficiency based on the ACMG/AMP criteria applied, as specified by the ClinGen Cerebral Creatine Deficiency Syndromes Variant Curation Expert Panel (Specifications Version 1.1.0): BA1, BS2, BP4. (Classification approved by the ClinGen CCDS VCEP on June 6, 2022).

Labcorp Genetics (formerly Invitae), Labcorp
Classification: Benign for Cerebral creatine deficiency syndrome. Last evaluated: 2026-02-03. Review status: criteria provided, single submitter. Criteria: Invitae Variant Classification Sherloc (09022015). Collection method: clinical testing. Allele origin: germline. Not counted in ClinVar's aggregate classification.

CeGaT Center for Human Genetics Tuebingen
Classification: Likely benign. Last evaluated: 2026-01-01. Review status: criteria provided, single submitter. Criteria: CeGaT Center For Human Genetics Tuebingen Variant Classification Criteria Version 2. Collection method: clinical testing. Allele origin: germline. Affected: yes. Observed: 2 variant alleles. Not counted in ClinVar's aggregate classification.
Comment: GAMT: BP4, BS2

Mayo Clinic Laboratories, Mayo Clinic
Classification: Benign. Last evaluated: 2024-04-03. Review status: criteria provided, single submitter. Criteria: ACMG Guidelines, 2015. Collection method: clinical testing. Allele origin: germline. Observed: 8 variant alleles. Not counted in ClinVar's aggregate classification.
Comment: BS1, BS2, BP4, BP7

Genetic Services Laboratory, University of Chicago
Classification: Likely benign. Last evaluated: 2019-06-14. Review status: criteria provided, single submitter. Criteria: ACMG Guidelines, 2015. Collection method: clinical testing. Allele origin: germline. Affected: no. Not counted in ClinVar's aggregate classification.

Illumina Laboratory Services, Illumina
Classification: Likely benign for Deficiency of guanidinoacetate methyltransferase. Last evaluated: 2018-01-12. Review status: criteria provided, single submitter. Criteria: ICSL Variant Classification Criteria 13 December 2019. Collection method: clinical testing. Allele origin: germline. Not counted in ClinVar's aggregate classification.
Comment: This variant was observed in the ICSL laboratory as part of a predisposition screen in an ostensibly healthy population. It had not been previously curated by ICSL or reported in the Human Gene Mutation Database (HGMD: prior to June 1st, 2018), and was therefore a candidate for classification through an automated scoring system. Utilizing variant allele frequency, disease prevalence and penetrance estimates, and inheritance mode, an automated score was calculated to assess if this variant is too frequent to cause the disease. Based on the score and internal cut-off values, a variant classified as likely benign is not then subjected to further curation. The score for this variant resulted in a classification of likely benign for this disease.

Eurofins Ntd Llc (ga)
Classification: Benign. Last evaluated: 2017-04-10. Review status: criteria provided, single submitter. Criteria: EGL Classification Definitions 2015. Collection method: clinical testing. Allele origin: germline. Observed: 1 variant allele, 1 heterozygote. Not counted in ClinVar's aggregate classification.

GeneDx
Classification: Benign. Last evaluated: 2013-11-21. Review status: criteria provided, single submitter. Criteria: GeneDx Variant Classification (06012015). Collection method: clinical testing. Allele origin: germline. Affected: yes. Not counted in ClinVar's aggregate classification.
Comment: This variant is considered likely benign or benign based on one or more of the following criteria: it is a conservative change, it occurs at a poorly conserved position in the protein, it is predicted to be benign by multiple in silico algorithms, and/or has population frequency not consistent with disease.

Natera, Inc.
Classification: Benign for Guanidinoacetate methyltransferase deficiency. Last evaluated: 2020-01-05. Review status: no assertion criteria provided. Collection method: clinical testing. Allele origin: germline. Not counted in ClinVar's aggregate classification.

NM_000156.6(GAMT):c.392-7C>T

Gene: GAMT (guanidinoacetate N-methyltransferase; minus strand). Cytogenetic location: 19p13.3.
Variant type: single nucleotide variant.
Coding change: c.392-7C>T on transcript NM_000156.6 (MANE Select); 7 bases into the intron before coding-DNA position 392, C replaced by T.
Molecular consequence: intron variant.
Genome position (GRCh38, 1-based): chr19:1,399,202, G>A on the plus strand (C>T on the coding strand, the complement: GAMT is on the minus strand). VCF-style: chr19-1399202-G-A. GRCh37 (hg19) VCF-style: chr19-1399201-G-A.
Other names: p.?; c.392-7C>T (NM_138924.3).
Identifiers: ClinVar variation 137436 (VCV000137436.48), dbSNP rs192416474, ClinGen allele CA291019.
Genomic context (GRCh38, chr19:1,399,202, plus strand): 5'-ACTGGTGTGTGTGCCAGGTCTCCTCCGAGAGTGGGTACGTGTCGTACAGGATCCCTGCAC[G>A]GAGAACAGAAGCCCACGCGGTCAGGGCCGGGCTCAGCGCCTCACCCAGCCTCACCCGGCT-3'